The following is an entry in ClinVar:

ClinVar aggregate classification (germline): Uncertain significance (1 of 4 stars; one submission).

Submission:

Ambry Genetics
Classification: Uncertain significance. Last evaluated: 2024-06-12. Review status: criteria provided, single submitter. Criteria: Ambry Variant Classification Scheme 2023. Collection method: clinical testing. Allele origin: germline.
Comment: The p.G370V variant (also known as c.1109G>T), located in coding exon 12 of the NPAT gene, results from a G to T substitution at nucleotide position 1109. The glycine at codon 370 is replaced by valine, an amino acid with dissimilar properties. This amino acid position is conserved. In addition, this alteration is predicted to be tolerated by in silico analysis. Based on the available evidence, the clinical significance of this variant remains unclear.

NM_002519.3(NPAT):c.1109G>T (p.Gly370Val)

Gene: NPAT (nuclear protein, coactivator of histone transcription; minus strand). Cytogenetic location: 11q22.3.
Variant type: single nucleotide variant.
Coding change: c.1109G>T on transcript NM_002519.3 (MANE Select); coding-DNA position 1109, G replaced by T.
Protein change: p.Gly370Val; replaces glycine 370 with valine.
Molecular consequence: missense variant.
Genome position (GRCh38, 1-based): chr11:108,176,269, C>A on the plus strand (G>T on the coding strand, the complement: NPAT is on the minus strand). VCF-style: chr11-108176269-C-A. GRCh37 (hg19) VCF-style: chr11-108046996-C-A.
Other names: c.1109G>T, p.Gly370Val (NM_001321307.1); short protein forms G370V.
Identifiers: ClinVar variation 3300717 (VCV003300717.1).